The following is an entry in ClinVar:

ClinVar aggregate classification (germline): Benign/Likely benign. Review status: criteria provided, multiple submitters, no conflicts (2 of 4 stars). 4 submissions from 4 submitters: Benign (1); Likely benign (3). Last evaluated 2025-10-01.

Conditions:
Familial adenomatous polyposis 1 (FAP1). Also called: FAMILIAL ADENOMATOUS POLYPOSIS 1, ATTENUATED; POLYPOSIS, ADENOMATOUS INTESTINAL. Identifiers: MedGen C2713442, MONDO:0021056, OMIM 175100. Disease mechanism: loss of function.
Hereditary cancer-predisposing syndrome. Also called: Tumor predisposition; Neoplastic Syndromes, Hereditary; Hereditary neoplastic syndrome; Hereditary Cancer Syndrome. Identifiers: Orphanet 140162, MedGen C0027672, MeSH D009386, MONDO:0015356.

Allele frequency attached by ClinVar (database versions not stated): gnomAD exomes below 0.00001.
gnomAD v4.1: 3 of 1,613,872 alleles (0.00019%); highest among the groups gnomAD compares: Non-Finnish European, 0.00025%; no homozygotes.

Submissions (4):

Labcorp Genetics (formerly Invitae), Labcorp
Classification: Likely benign for Familial adenomatous polyposis 1. Last evaluated: 2025-10-01. Review status: criteria provided, single submitter. Criteria: Invitae Variant Classification Sherloc (09022015). Collection method: clinical testing. Allele origin: germline.

Myriad Genetics, Inc.
Classification: Benign for Familial adenomatous polyposis 1. Last evaluated: 2024-04-03. Review status: criteria provided, single submitter. Criteria: Myriad Autosomal Dominant, Autosomal Recessive and X-Linked Classification Criteria (2023). Collection method: clinical testing. Allele origin: unknown.
Comment: This variant is considered benign. This variant is a silent/synonymous amino acid change and it is not expected to impact splicing.

Color Diagnostics, LLC DBA Color Health
Classification: Likely benign for Hereditary cancer-predisposing syndrome. Last evaluated: 2023-05-08. Review status: criteria provided, single submitter. Criteria: ACMG Guidelines, 2015. Collection method: clinical testing. Allele origin: germline.

Ambry Genetics
Classification: Likely benign for Hereditary cancer-predisposing syndrome. Last evaluated: 2019-12-13. Review status: criteria provided, single submitter. Criteria: Ambry Variant Classification Scheme 2023. Collection method: clinical testing. Allele origin: germline.

NM_000038.6(APC):c.5865T>C (p.Ala1955=)

Gene: APC (APC regulator of Wnt signaling pathway; plus strand). Cytogenetic location: 5q22.2.
Variant type: single nucleotide variant.
Coding change: c.5865T>C on transcript NM_000038.6 (MANE Select); coding-DNA position 5865, T replaced by C.
Protein change: p.Ala1955=; no amino-acid change (alanine 1955 retained).
Molecular consequence: synonymous variant.
Genome position (GRCh38, 1-based): chr5:112,841,459, T>C. VCF-style: chr5-112841459-T-C. GRCh37 (hg19) VCF-style: chr5-112177156-T-C.
Other names: c.5865T>C, p.Ala1955= (NM_001127510.3, NM_001354895.2); c.5811T>C, p.Ala1937= (NM_001127511.3); c.5919T>C, p.Ala1973= (NM_001354896.2); c.5895T>C, p.Ala1965= (NM_001354897.2); c.5790T>C, p.Ala1930= (NM_001354898.2); c.5781T>C, p.Ala1927= (NM_001354899.2); c.5742T>C, p.Ala1914= (NM_001354900.2); c.5688T>C, p.Ala1896= (NM_001354901.2); and 5 more.
Identifiers: ClinVar variation 416713 (VCV000416713.17), dbSNP rs1060504868, ClinGen allele CA16611697.